The following is an entry in ClinVar:

NM_001134673.4(NFIA):c.1118C>G (p.Ser373Ter)

Gene: NFIA (nuclear factor I A; plus strand). Cytogenetic location: 1p31.3.
Variant type: single nucleotide variant.
Coding change: c.1118C>G on transcript NM_001134673.4 (MANE Select); coding-DNA position 1118, C replaced by G.
Protein change: p.Ser373Ter; replaces serine 373 with a stop codon.
Molecular consequence: nonsense.
Genome position (GRCh38, 1-based): chr1:61,404,146, C>G. VCF-style: chr1-61404146-C-G. GRCh37 (hg19) VCF-style: chr1-61869818-C-G.
Other names: c.1094C>G, p.Ser365Ter (NM_001145511.2); c.1253C>G, p.Ser418Ter (NM_001145512.2); c.1118C>G, p.Ser373Ter (NM_005595.5); short protein forms S365*, S373*, S418*.
Identifiers: ClinVar variation 2758879 (VCV002758879.3), dbSNP rs904425938, ClinGen allele CA340589092.

ClinVar aggregate classification (germline): Pathogenic (1 of 4 stars; one submission).

Submission:

Labcorp Genetics (formerly Invitae), Labcorp
Classification: Pathogenic. Last evaluated: 2023-09-08. Review status: criteria provided, single submitter. Criteria: Invitae Variant Classification Sherloc (09022015). Collection method: clinical testing. Allele origin: germline.
Comment: For these reasons, this variant has been classified as Pathogenic. This variant has not been reported in the literature in individuals affected with NFIA-related conditions. This variant is not present in population databases (gnomAD no frequency). This sequence change creates a premature translational stop signal (p.Ser373*) in the NFIA gene. It is expected to result in an absent or disrupted protein product. Loss-of-function variants in NFIA are known to be pathogenic (PMID: 27081522, 31730271).

Literature cited by the submitters: PubMed 27081522; PubMed 31730271.